The following is an entry in ClinVar:

ClinVar aggregate classification (germline): Conflicting classifications of pathogenicity. Review status: criteria provided, conflicting classifications (1 of 4 stars). 5 submissions from 5 submitters: Uncertain significance (1); Benign (1); Likely benign (2). 1 of the submissions does not count toward it. Last evaluated 2025-07-14.

Conditions:
Inborn genetic diseases. Identifiers: MedGen C0950123, MeSH D030342.
Kabuki syndrome. Also called: NIIKAWA-KUROKI SYNDROME; Kabuki make-up syndrome. Identifiers: Orphanet 2322, MedGen C0796004, MONDO:0016512.
KMT2D-related disorder. Also called: KMT2D-Related Disorders.

Allele frequency attached by ClinVar (database versions not stated): gnomAD exomes 0.00003 and 0.00008; TOPMed 0.00003; ExAC 0.00007.
gnomAD v4.1: 16 of 1,598,940 alleles (0.001%); highest among the groups gnomAD compares: Admixed American, 0.028%; no homozygotes.

Submissions (5):

Labcorp Genetics (formerly Invitae), Labcorp
Classification: Benign for Kabuki syndrome. Last evaluated: 2025-07-14. Review status: criteria provided, single submitter. Criteria: Invitae Variant Classification Sherloc (09022015). Collection method: clinical testing. Allele origin: germline.

Athena Diagnostics
Classification: Likely benign. Last evaluated: 2025-02-26. Review status: criteria provided, single submitter. Criteria: Athena Diagnostics Criteria. Collection method: clinical testing. Allele origin: unknown.
Comment: The frequency of this variant in the general population is higher than would generally be expected for pathogenic variants in this gene. Computational tools predict this amino acid change may be benign.

Ambry Genetics
Classification: Likely benign for Inborn genetic diseases. Last evaluated: 2021-12-07. Review status: criteria provided, single submitter. Criteria: Ambry Variant Classification Scheme 2023. Collection method: clinical testing. Allele origin: germline.

Eurofins Ntd Llc (ga)
Classification: Uncertain significance. Last evaluated: 2016-09-19. Review status: criteria provided, single submitter. Criteria: EGL Classification Definitions 2015. Collection method: clinical testing. Allele origin: germline. Observed: 2 variant alleles, 2 heterozygotes.

PreventionGenetics, part of Exact Sciences
Classification: Likely benign for KMT2D-related condition. Last evaluated: 2023-07-18. Review status: no assertion criteria provided. Collection method: clinical testing. Allele origin: germline. Not counted in ClinVar's aggregate classification.
Comment: This variant is classified as likely benign based on ACMG/AMP sequence variant interpretation guidelines (Richards et al. 2015 PMID: 25741868, with internal and published modifications).

NM_003482.4(KMT2D):c.9474G>C (p.Gln3158His)

Gene: KMT2D (lysine methyltransferase 2D; minus strand). Cytogenetic location: 12q13.12.
Variant type: single nucleotide variant.
Coding change: c.9474G>C on transcript NM_003482.4 (MANE Select); coding-DNA position 9474, G replaced by C.
Protein change: p.Gln3158His; replaces glutamine 3158 with histidine.
Molecular consequence: missense variant.
Genome position (GRCh38, 1-based): chr12:49,037,882, C>G on the plus strand (G>C on the coding strand, the complement: KMT2D is on the minus strand). VCF-style: chr12-49037882-C-G. GRCh37 (hg19) VCF-style: chr12-49431665-C-G.
Other names: c.9474G>C (NM_003482.3); short protein forms Q3158H.
Identifiers: ClinVar variation 291162 (VCV000291162.15), dbSNP rs770522446, ClinGen allele CA6546688.
Genomic context (GRCh38, chr12:49,037,882, plus strand): 5'-GTGCCCACTGCTAGAAAATGGCCCTGTGCCCATCCGGGTATCCCGGCTGCCCATCATGCT[C>G]TGTCCTGGCTTTAGCCCCAGGCCAAGGGAATTGGCAGCAGGTGCGGGCTCTACCTTGGGG-3'
Protein context (NP_003473.3, residues 3148-3168): NSLGLGLKPG[Gln3158His]SMMGSRDTRM